The following is an entry in ClinVar:

NM_001378454.1(ALMS1):c.518C>T (p.Thr173Ile)

Gene: ALMS1 (ALMS1 centrosome and basal body associated protein; plus strand). Cytogenetic location: 2p13.1.
Variant type: single nucleotide variant.
Coding change: c.518C>T on transcript NM_001378454.1 (MANE Select); coding-DNA position 518, C replaced by T.
Protein change: p.Thr173Ile; replaces threonine 173 with isoleucine.
Molecular consequence: missense variant.
Genome position (GRCh38, 1-based): chr2:73,419,190, C>T. VCF-style: chr2-73419190-C-T. GRCh37 (hg19) VCF-style: chr2-73646318-C-T.
Other names: c.521C>T, p.Thr174Ile (NM_015120.4); short protein forms T173I, T174I.
Identifiers: ClinVar variation 942148 (VCV000942148.6), dbSNP rs1163075641, ClinGen allele CA347258982.

ClinVar aggregate classification (germline): Uncertain significance. Review status: criteria provided, single submitter (1 of 4 stars). 2 submissions from 2 submitters: Uncertain significance (1). 1 of the submissions does not count toward it. Last evaluated 2019-08-29.

Conditions:
Alstrom syndrome (ALMS). Identifiers: Orphanet 64, MedGen C0268425, MONDO:0008763, OMIM 203800.

Allele frequency attached by ClinVar (database versions not stated): gnomAD 0.00001.
gnomAD v4.1: 1 of 1,613,880 alleles (0.000062%); highest among the groups gnomAD compares: East Asian, 0.0022%; no homozygotes.

Submissions (2):

Labcorp Genetics (formerly Invitae), Labcorp
Classification: Uncertain significance for Alstrom syndrome. Last evaluated: 2019-08-29. Review status: criteria provided, single submitter. Criteria: Invitae Variant Classification Sherloc (09022015). Collection method: clinical testing. Allele origin: germline.
Comment: This sequence change replaces threonine with isoleucine at codon 174 of the ALMS1 protein (p.Thr174Ile). The threonine residue is moderately conserved and there is a moderate physicochemical difference between threonine and isoleucine. This variant is not present in population databases (ExAC no frequency). This variant has not been reported in the literature in individuals with ALMS1-related conditions. Algorithms developed to predict the effect of missense changes on protein structure and function are either unavailable or do not agree on the potential impact of this missense change (SIFT: Deleterious; PolyPhen-2: Not Available; Align-GVGD: Class C0). In summary, the available evidence is currently insufficient to determine the role of this variant in disease. Therefore, it has been classified as a Variant of Uncertain Significance.

Natera, Inc.
Classification: Uncertain significance for Alstrom syndrome. Last evaluated: 2020-09-15. Review status: no assertion criteria provided. Collection method: clinical testing. Allele origin: germline. Not counted in ClinVar's aggregate classification.